The following is an entry in ClinVar:

NM_033100.4(CDHR1):c.556C>T (p.His186Tyr)

Gene: CDHR1 (cadherin related family member 1; plus strand). Cytogenetic location: 10q23.1.
Variant type: single nucleotide variant.
Coding change: c.556C>T on transcript NM_033100.4 (MANE Select); coding-DNA position 556, C replaced by T.
Protein change: p.His186Tyr; replaces histidine 186 with tyrosine.
Molecular consequence: missense variant.
Genome position (GRCh38, 1-based): chr10:84,201,837, C>T. VCF-style: chr10-84201837-C-T. GRCh37 (hg19) VCF-style: chr10-85961593-C-T.
Other names: c.556C>T, p.His186Tyr (NM_001171971.3); short protein forms H186Y.
Identifiers: ClinVar variation 807918 (VCV000807918.54), dbSNP rs147420731, ClinGen allele CA5579587.

ClinVar aggregate classification (germline): Conflicting classifications of pathogenicity. Review status: criteria provided, conflicting classifications (1 of 4 stars). 6 submissions from 6 submitters: Uncertain significance (1); Likely benign (2). 3 of the submissions do not count toward it. Last evaluated 2026-01-11.

Conditions:
CDHR1-related disorder. Also called: CDHR1-related condition.

Allele frequency attached by ClinVar (database versions not stated): 1000 Genomes Project 0.00040; 1000 Genomes Project 30x 0.00047; ExAC 0.00102; gnomAD exomes 0.00102 and 0.00185; TOPMed 0.00105; gnomAD 0.00115 and 0.00120; ESP Exome Variant Server 0.00138.
gnomAD v4.1: 2,861 of 1,610,500 alleles (0.18%); highest among the groups gnomAD compares: Non-Finnish European, 0.23%; 2 homozygotes.

Submissions (6):

Labcorp Genetics (formerly Invitae), Labcorp
Classification: Likely benign. Last evaluated: 2026-01-11. Review status: criteria provided, single submitter. Criteria: Invitae Variant Classification Sherloc (09022015). Collection method: clinical testing. Allele origin: germline.

Blueprint Genetics
Classification: Likely benign. Last evaluated: 2024-11-26. Review status: criteria provided, single submitter. Criteria: ACMG Guidelines, 2015. Collection method: clinical testing. Allele origin: germline.

CeGaT Center for Human Genetics Tuebingen
Classification: Uncertain significance. Last evaluated: 2016-09-01. Review status: criteria provided, single submitter. Criteria: CeGaT Center For Human Genetics Tuebingen Variant Classification Criteria Version 2. Collection method: clinical testing. Allele origin: germline. Affected: yes. Observed: 1 variant allele.

PreventionGenetics, part of Exact Sciences
Classification: Likely benign for CDHR1-related condition. Last evaluated: 2023-11-08. Review status: no assertion criteria provided. Collection method: clinical testing. Allele origin: germline. Not counted in ClinVar's aggregate classification.
Comment: This variant is classified as likely benign based on ACMG/AMP sequence variant interpretation guidelines (Richards et al. 2015 PMID: 25741868, with internal and published modifications).

Clinical Genetics DNA and cytogenetics Diagnostics Lab, Erasmus MC, Erasmus Medical Center
Classification: Uncertain significance. Review status: no assertion criteria provided. Collection method: clinical testing. Allele origin: germline. Affected: yes. Study: VKGL Data-share Consensus. Not counted in ClinVar's aggregate classification.

Clinical Genetics, Academic Medical Center
Classification: Uncertain significance. Review status: no assertion criteria provided. Collection method: clinical testing. Allele origin: germline. Affected: yes. Study: VKGL Data-share Consensus. Not counted in ClinVar's aggregate classification.